The following is an entry in ClinVar:

ClinVar aggregate classification (germline): Likely benign (1 of 4 stars; one submission).

Allele frequency attached by ClinVar (database versions not stated): TOPMed 0.00002; gnomAD exomes 0.00004; ExAC 0.00005; gnomAD 0.00005; 1000 Genomes Project 0.00020; 1000 Genomes Project 30x 0.00031.
gnomAD v4.1: 68 of 1,612,754 alleles (0.0042%); highest among the groups gnomAD compares: South Asian, 0.015%; no homozygotes.

Submission:

CeGaT Center for Human Genetics Tuebingen
Classification: Likely benign. Last evaluated: 2023-01-01. Review status: criteria provided, single submitter. Criteria: CeGaT Center For Human Genetics Tuebingen Variant Classification Criteria Version 2. Collection method: clinical testing. Allele origin: germline. Affected: yes. Observed: 1 variant allele.
Comment: PRR12: BP4, BP7

NM_020719.3(PRR12):c.4686C>T (p.Asp1562=)

Gene: PRR12 (proline rich 12; plus strand). Cytogenetic location: 19q13.33.
Variant type: single nucleotide variant.
Coding change: c.4686C>T on transcript NM_020719.3 (MANE Select); coding-DNA position 4686, C replaced by T.
Protein change: p.Asp1562=; no amino-acid change (aspartic acid 1562 retained).
Molecular consequence: synonymous variant.
Genome position (GRCh38, 1-based): chr19:49,601,831, C>T. VCF-style: chr19-49601831-C-T. GRCh37 (hg19) VCF-style: chr19-50105088-C-T.
Identifiers: ClinVar variation 2650268 (VCV002650268.24), dbSNP rs543393063, ClinGen allele CA9578551.